The following is an entry in ClinVar:

ClinVar aggregate classification (germline): Conflicting classifications of pathogenicity. Review status: criteria provided, conflicting classifications (1 of 4 stars). 2 submissions from 2 submitters: Uncertain significance (1); Likely benign (1). Last evaluated 2024-05-09.

Conditions:
Hereditary cancer-predisposing syndrome. Also called: Neoplastic Syndromes, Hereditary; Tumor predisposition; Hereditary Cancer Syndrome; Hereditary neoplastic syndrome. Identifiers: Orphanet 140162, MedGen C0027672, MeSH D009386, MONDO:0015356.
Bloom syndrome (BLM). Also called: Bloom-Torre-Machacek syndrome. Identifiers: Orphanet 125, MedGen C0005859, MONDO:0008876, OMIM 210900.

Submissions (2):

Labcorp Genetics (formerly Invitae), Labcorp
Classification: Uncertain significance for Bloom syndrome. Last evaluated: 2024-05-09. Review status: criteria provided, single submitter. Criteria: Invitae Variant Classification Sherloc (09022015). Collection method: clinical testing. Allele origin: germline.
Comment: This sequence change replaces isoleucine, which is neutral and non-polar, with valine, which is neutral and non-polar, at codon 593 of the BLM protein (p.Ile593Val). This variant is not present in population databases (gnomAD no frequency). This variant has not been reported in the literature in individuals affected with BLM-related conditions. ClinVar contains an entry for this variant (Variation ID: 1779894). Advanced modeling of protein sequence and biophysical properties (such as structural, functional, and spatial information, amino acid conservation, physicochemical variation, residue mobility, and thermodynamic stability) performed at Invitae indicates that this missense variant is not expected to disrupt BLM protein function with a negative predictive value of 80%. In summary, the available evidence is currently insufficient to determine the role of this variant in disease. Therefore, it has been classified as a Variant of Uncertain Significance.

Ambry Genetics
Classification: Likely benign for Hereditary cancer-predisposing syndrome. Last evaluated: 2022-10-28. Review status: criteria provided, single submitter. Criteria: Ambry Variant Classification Scheme 2023. Collection method: clinical testing. Allele origin: germline.

NM_000057.4(BLM):c.1777A>G (p.Ile593Val)

Gene: BLM (BLM RecQ like helicase; plus strand). Cytogenetic location: 15q26.1.
Variant type: single nucleotide variant.
Coding change: c.1777A>G on transcript NM_000057.4 (MANE Select); coding-DNA position 1777, A replaced by G.
Protein change: p.Ile593Val; replaces isoleucine 593 with valine.
Molecular consequence: missense variant.
Genome position (GRCh38, 1-based): chr15:90,761,150, A>G. VCF-style: chr15-90761150-A-G. GRCh37 (hg19) VCF-style: chr15-91304380-A-G.
Other names: c.1777A>G, p.Ile593Val (NM_001287246.2, NM_001287247.2); c.652A>G, p.Ile218Val (NM_001287248.2); short protein forms I218V, I593V.
Identifiers: ClinVar variation 1779894 (VCV001779894.4), dbSNP rs2505429011, ClinGen allele CA393843818.